The following is an entry in ClinVar:

NM_006231.4(POLE):c.4950C>T (p.Ser1650=)

Gene: POLE (DNA polymerase epsilon, catalytic subunit; minus strand). Cytogenetic location: 12q24.33.
Variant type: single nucleotide variant.
Coding change: c.4950C>T on transcript NM_006231.4 (MANE Select); coding-DNA position 4950, C replaced by T.
Protein change: p.Ser1650=; no amino-acid change (serine 1650 retained).
Molecular consequence: synonymous variant.
Genome position (GRCh38, 1-based): chr12:132,642,508, G>A on the plus strand (C>T on the coding strand, the complement: POLE is on the minus strand). VCF-style: chr12-132642508-G-A. GRCh37 (hg19) VCF-style: chr12-133219094-G-A.
Identifiers: ClinVar variation 1397337 (VCV001397337.8), dbSNP rs754430406, ClinGen allele CA6892676.
Genomic context (GRCh38, chr12:132,642,508, plus strand): 5'-CCACCGAGGCCGGCTCTGCCTGGGGACCACTGGCCCACAACGACAGTACTGTGCTCACCT[G>A]CTCATCTCGAAGGCCTGCGACAGGCAGGTGTCCAGGTTGAGGTAGTGACGGATCATGCGC-3'
Protein context (NP_006222.2, residues 1640-1660): DTCLSQAFEM[Ser1650=]RYFHIPIGNL

ClinVar aggregate classification (germline): Uncertain significance (1 of 4 stars; one submission).

Allele frequency attached by ClinVar (database versions not stated): gnomAD exomes below 0.00001; ExAC 0.00001.

Submission:

Labcorp Genetics (formerly Invitae), Labcorp
Classification: Uncertain significance. Last evaluated: 2021-02-03. Review status: criteria provided, single submitter. Criteria: Invitae Variant Classification Sherloc (09022015). Collection method: clinical testing. Allele origin: germline.
Comment: In summary, the available evidence is currently insufficient to determine the role of this variant in disease. Therefore, it has been classified as a Variant of Uncertain Significance. Algorithms developed to predict the effect of sequence changes on RNA splicing suggest that this variant may create or strengthen a splice site, but this prediction has not been confirmed by published transcriptional studies. This variant has not been reported in the literature in individuals with POLE-related conditions. This variant is present in population databases (rs754430406, ExAC 0.006%). This sequence change affects codon 1650 of the POLE mRNA. It is a 'silent' change, meaning that it does not change the encoded amino acid sequence of the POLE protein.